The following is an entry in ClinVar:

NM_002691.4(POLD1):c.535G>A (p.Gly179Arg)

Gene: POLD1 (DNA polymerase delta 1, catalytic subunit; plus strand). Cytogenetic location: 19q13.33.
Variant type: single nucleotide variant.
Coding change: c.535G>A on transcript NM_002691.4 (MANE Select); coding-DNA position 535, G replaced by A.
Protein change: p.Gly179Arg; replaces glycine 179 with arginine.
Molecular consequence: missense variant. On other transcripts: non-coding transcript variant (1).
Genome position (GRCh38, 1-based): chr19:50,402,070, G>A. VCF-style: chr19-50402070-G-A. GRCh37 (hg19) VCF-style: chr19-50905327-G-A.
Other names: c.535G>A, p.Gly179Arg (NM_001256849.1, NM_001308632.1); short protein forms G179R.
Identifiers: ClinVar variation 3674358 (VCV003674358.2).

ClinVar aggregate classification (germline): Uncertain significance (1 of 4 stars; one submission).

Conditions:
POLD1-related polyposis and colorectal cancer syndrome (CRCS10). Also called: Colorectal cancer 10; COLORECTAL CANCER, SUSCEPTIBILITY TO, ON CHROMOSOME 19q; Colorectal cancer, susceptibility to, 10. Identifiers: Orphanet 220460, MedGen C2675481, MONDO:0012953, OMIM 612591.

Submission:

Labcorp Genetics (formerly Invitae), Labcorp
Classification: Uncertain significance for POLD1-related polyposis and colorectal cancer syndrome. Last evaluated: 2024-10-03. Review status: criteria provided, single submitter. Criteria: Invitae Variant Classification Sherloc (09022015). Collection method: clinical testing. Allele origin: germline.
Comment: This sequence change replaces glycine, which is neutral and non-polar, with arginine, which is basic and polar, at codon 179 of the POLD1 protein (p.Gly179Arg). This variant is not present in population databases (gnomAD no frequency). This variant has not been reported in the literature in individuals affected with POLD1-related conditions. An algorithm developed to predict the effect of missense changes on protein structure and function (PolyPhen-2) suggests that this variant is likely to be disruptive. In summary, the available evidence is currently insufficient to determine the role of this variant in disease. Therefore, it has been classified as a Variant of Uncertain Significance.